The following is an entry in ClinVar:

ClinVar aggregate classification (germline): Uncertain significance. Review status: criteria provided, multiple submitters, no conflicts (2 of 4 stars). 2 submissions from 2 submitters: Uncertain significance (2). Last evaluated 2023-10-24.

Conditions:
Polyhydramnios, megalencephaly, and symptomatic epilepsy (PMSE). Also called: PMSE SYNDROME. Identifiers: Orphanet 500533, MedGen C1970203, MONDO:0012611, OMIM 611087.
Inborn genetic diseases. Identifiers: MedGen C0950123, MeSH D030342.

Allele frequency attached by ClinVar (database versions not stated): ExAC 0.00001; TOPMed 0.00002; gnomAD exomes 0.00003; ESP Exome Variant Server 0.00008.
gnomAD v4.1: 41 of 1,613,978 alleles (0.0025%); highest among the groups gnomAD compares: Admixed American, 0.015%; no homozygotes.

Submissions (2):

Ambry Genetics
Classification: Uncertain significance for Inborn genetic diseases. Last evaluated: 2023-10-24. Review status: criteria provided, single submitter. Criteria: Ambry Variant Classification Scheme 2023. Collection method: clinical testing. Allele origin: germline.

Labcorp Genetics (formerly Invitae), Labcorp
Classification: Uncertain significance for Polyhydramnios, megalencephaly, and symptomatic epilepsy. Last evaluated: 2022-02-22. Review status: criteria provided, single submitter. Criteria: Invitae Variant Classification Sherloc (09022015). Collection method: clinical testing. Allele origin: germline.
Comment: This sequence change replaces asparagine, which is neutral and polar, with serine, which is neutral and polar, at codon 109 of the STRADA protein (p.Asn109Ser). This variant is present in population databases (rs144919702, gnomAD 0.006%). This variant has not been reported in the literature in individuals affected with STRADA-related conditions. ClinVar contains an entry for this variant (Variation ID: 855059). Algorithms developed to predict the effect of missense changes on protein structure and function (SIFT, PolyPhen-2, Align-GVGD) all suggest that this variant is likely to be tolerated. Algorithms developed to predict the effect of sequence changes on RNA splicing suggest that this variant may create or strengthen a splice site. In summary, the available evidence is currently insufficient to determine the role of this variant in disease. Therefore, it has been classified as a Variant of Uncertain Significance.

NM_001003787.4(STRADA):c.326A>G (p.Asn109Ser)

Gene: STRADA (STE20 related adaptor alpha; minus strand). Cytogenetic location: 17q23.3.
Variant type: single nucleotide variant.
Coding change: c.326A>G on transcript NM_001003787.4 (MANE Select); coding-DNA position 326, A replaced by G.
Protein change: p.Asn109Ser; replaces asparagine 109 with serine.
Molecular consequence: missense variant. On other transcripts: non-coding transcript variant (1).
Genome position (GRCh38, 1-based): chr17:63,713,428, T>C on the plus strand (A>G on the coding strand, the complement: STRADA is on the minus strand). VCF-style: chr17-63713428-T-C. GRCh37 (hg19) VCF-style: chr17-61790788-T-C.
Other names: c.215A>G, p.Asn72Ser (NM_001003786.3, NM_001363789.1, NM_153335.6); c.152A>G, p.Asn51Ser (NM_001003788.3, NM_001363790.1, NM_001363791.1); c.239A>G, p.Asn80Ser (NM_001165969.2, NM_001363787.1); c.194A>G, p.Asn65Ser (NM_001165970.2); c.302A>G, p.Asn101Ser (NM_001363786.1); c.326A>G, p.Asn109Ser (NM_001363788.1); short protein forms N109S, N101S, N80S, N51S, N65S, N72S.
Identifiers: ClinVar variation 855059 (VCV000855059.7), dbSNP rs144919702, ClinGen allele CA8703434.